The following is an entry in ClinVar:

ClinVar aggregate classification (germline): Likely benign (1 of 4 stars; one submission).

Allele frequency attached by ClinVar (database versions not stated): 1000 Genomes Project 30x 0.00625; 1000 Genomes Project 0.00659; TOPMed 0.01074; gnomAD 0.01246; ESP Exome Variant Server 0.01309.
gnomAD v4.1: 29,523 of 1,611,966 alleles (1.8%); highest among the groups gnomAD compares: Non-Finnish European, 2.1%; 353 homozygotes.

Submission:

GeneDx
Classification: Likely benign. Last evaluated: 2020-02-23. Review status: criteria provided, single submitter. Criteria: GeneDx Variant Classification Process June 2021. Collection method: clinical testing. Allele origin: germline. Affected: yes.
Comment: See Variant Classification Assertion Criteria.

NM_001361.5(DHODH):c.434+25G>A

Gene: DHODH (dihydroorotate dehydrogenase (quinone); plus strand). Cytogenetic location: 16q22.2.
Variant type: single nucleotide variant.
Coding change: c.434+25G>A on transcript NM_001361.5 (MANE Select); 25 bases into the intron after coding-DNA position 434, G replaced by A.
Molecular consequence: intron variant.
Genome position (GRCh38, 1-based): chr16:72,014,697, G>A. VCF-style: chr16-72014697-G-A. GRCh37 (hg19) VCF-style: chr16-72048596-G-A.
Identifiers: ClinVar variation 1707231 (VCV001707231.2), dbSNP rs112904410, ClinGen allele CA8158616.